The following is an entry in ClinVar:

ClinVar aggregate classification (germline): Uncertain significance. Review status: criteria provided, multiple submitters, no conflicts (2 of 4 stars). 2 submissions from 2 submitters: Uncertain significance (2). Last evaluated 2026-04-01.

Conditions:
Inborn genetic diseases. Identifiers: MedGen C0950123, MeSH D030342.

Allele frequency attached by ClinVar (database versions not stated): gnomAD exomes 0.00001; ExAC 0.00002.
gnomAD v4.1: 19 of 1,604,698 alleles (0.0012%); highest among the groups gnomAD compares: Middle Eastern, 0.017%; no homozygotes.

Submissions (2):

CeGaT Center for Human Genetics Tuebingen
Classification: Uncertain significance. Last evaluated: 2026-04-01. Review status: criteria provided, single submitter. Criteria: CeGaT Center For Human Genetics Tuebingen Variant Classification Criteria Version 2. Collection method: clinical testing. Allele origin: germline. Affected: yes. Observed: 1 variant allele.
Comment: TP73: PM2

Ambry Genetics
Classification: Uncertain significance for Inborn genetic diseases. Last evaluated: 2021-07-13. Review status: criteria provided, single submitter. Criteria: Ambry Variant Classification Scheme 2023. Collection method: clinical testing. Allele origin: germline.

NM_005427.4(TP73):c.1351G>A (p.Gly451Arg)

Gene: TP73 (tumor protein p73; plus strand). Cytogenetic location: 1p36.32.
Variant type: single nucleotide variant.
Coding change: c.1351G>A on transcript NM_005427.4 (MANE Select); coding-DNA position 1351, G replaced by A.
Protein change: p.Gly451Arg; replaces glycine 451 with arginine.
Molecular consequence: missense variant. On other transcripts: intron variant (4).
Genome position (GRCh38, 1-based): chr1:3,730,932, G>A. VCF-style: chr1-3730932-G-A. GRCh37 (hg19) VCF-style: chr1-3647496-G-A.
Other names: c.1055G>A, p.Arg352Gln (NM_001204190.2, NM_001126242.3); c.1138G>A, p.Gly380Arg (NM_001204192.2); c.1197-531G>A (NM_001204188.2); c.1196+1484G>A (NM_001204186.2); c.1050-531G>A (NM_001204191.2); c.1049+1484G>A (NM_001204189.2); c.1204G>A, p.Gly402Arg (NM_001126240.3, NM_001126241.3); c.1351G>A, p.Gly451Arg (NM_001204184.2); and 1 more; short protein forms G380R, G451R, R401Q, G402R, R352Q.
Identifiers: ClinVar variation 3181459 (VCV003181459.3), dbSNP rs747224214, ClinGen allele CA549518.